The following is an entry in ClinVar:

NM_006231.4(POLE):c.3845A>C (p.Gln1282Pro)

Gene: POLE (DNA polymerase epsilon, catalytic subunit; minus strand). Cytogenetic location: 12q24.33.
Variant type: single nucleotide variant.
Coding change: c.3845A>C on transcript NM_006231.4 (MANE Select); coding-DNA position 3845, A replaced by C.
Protein change: p.Gln1282Pro; replaces glutamine 1282 with proline.
Molecular consequence: missense variant.
Genome position (GRCh38, 1-based): chr12:132,649,466, T>G on the plus strand (A>C on the coding strand, the complement: POLE is on the minus strand). VCF-style: chr12-132649466-T-G. GRCh37 (hg19) VCF-style: chr12-133226052-T-G.
Other names: short protein forms Q1282P.
Identifiers: ClinVar variation 861677 (VCV000861677.9), dbSNP rs2042369246, ClinGen allele CA387385447.

ClinVar aggregate classification (germline): Uncertain significance (1 of 4 stars; one submission).

Submission:

Labcorp Genetics (formerly Invitae), Labcorp
Classification: Uncertain significance. Last evaluated: 2025-07-19. Review status: criteria provided, single submitter. Criteria: Invitae Variant Classification Sherloc (09022015). Collection method: clinical testing. Allele origin: germline.
Comment: This sequence change replaces glutamine, which is neutral and polar, with proline, which is neutral and non-polar, at codon 1282 of the POLE protein (p.Gln1282Pro). This variant is not present in population databases (gnomAD no frequency). This variant has not been reported in the literature in individuals affected with POLE-related conditions. ClinVar contains an entry for this variant (Variation ID: 861677). Invitae Evidence Modeling of protein sequence and biophysical properties (such as structural, functional, and spatial information, amino acid conservation, physicochemical variation, residue mobility, and thermodynamic stability) indicates that this missense variant is expected to disrupt POLE protein function with a positive predictive value of 80%. In summary, the available evidence is currently insufficient to determine the role of this variant in disease. Therefore, it has been classified as a Variant of Uncertain Significance.